The following is an entry in ClinVar:

ClinVar aggregate classification (germline): Uncertain significance (1 of 4 stars; one submission).

Allele frequency attached by ClinVar (database versions not stated): gnomAD exomes below 0.00001 and 0.00001; TOPMed below 0.00001.
gnomAD v4.1: 7 of 1,614,110 alleles (0.00043%); highest among the groups gnomAD compares: Non-Finnish European, 0.00051%; no homozygotes.

Submission:

GeneDx
Classification: Uncertain significance. Last evaluated: 2019-07-05. Review status: criteria provided, single submitter. Criteria: GeneDx Variant Classification Process June 2021. Collection method: clinical testing. Allele origin: germline. Affected: yes.
Comment: Not observed at a significant frequency in large population cohorts (Lek et al., 2016); In silico analysis, which includes protein predictors and evolutionary conservation, supports that this variant does not alter protein structure/function; Has not been previously published as pathogenic or benign to our knowledge

NM_004629.2(FANCG):c.1838G>A (p.Arg613Gln)

Gene: FANCG (FA complementation group G; minus strand). Cytogenetic location: 9p13.3.
Variant type: single nucleotide variant.
Coding change: c.1838G>A on transcript NM_004629.2 (MANE Select); coding-DNA position 1838, G replaced by A.
Protein change: p.Arg613Gln; replaces arginine 613 with glutamine.
Molecular consequence: missense variant.
Genome position (GRCh38, 1-based): chr9:35,074,139, C>T on the plus strand (G>A on the coding strand, the complement: FANCG is on the minus strand). VCF-style: chr9-35074139-C-T. GRCh37 (hg19) VCF-style: chr9-35074136-C-T.
Other names: short protein forms R613Q.
Identifiers: ClinVar variation 1316114 (VCV001316114.2), dbSNP rs748634605, ClinGen allele CA192691391.